The following is an entry in ClinVar:

ClinVar aggregate classification (germline): Uncertain significance (1 of 4 stars; one submission).

Allele frequency attached by ClinVar (database versions not stated): TOPMed below 0.00001; gnomAD 0.00001.
gnomAD v4.1: 1 of 1,612,818 alleles (0.000062%); highest among the groups gnomAD compares: Admixed American, 0.0017%; no homozygotes.

Submission:

Labcorp Genetics (formerly Invitae), Labcorp
Classification: Uncertain significance. Last evaluated: 2019-11-20. Review status: criteria provided, single submitter. Criteria: Invitae Variant Classification Sherloc (09022015). Collection method: clinical testing. Allele origin: germline.
Comment: In summary, the available evidence is currently insufficient to determine the role of this variant in disease. Therefore, it has been classified as a Variant of Uncertain Significance. Algorithms developed to predict the effect of missense changes on protein structure and function are either unavailable or do not agree on the potential impact of this missense change (SIFT: "Deleterious"; PolyPhen-2: "Benign"; Align-GVGD: "Class C0"). This variant has not been reported in the literature in individuals with RGS9-related conditions. This variant is not present in population databases (ExAC no frequency). This sequence change replaces glutamine with arginine at codon 8 of the RGS9 protein (p.Gln8Arg). The glutamine residue is highly conserved and there is a small physicochemical difference between glutamine and arginine.

NM_003835.4(RGS9):c.23A>G (p.Gln8Arg)

Gene: RGS9 (regulator of G protein signaling 9; plus strand). Cytogenetic location: 17q24.1.
Variant type: single nucleotide variant.
Coding change: c.23A>G on transcript NM_003835.4 (MANE Select); coding-DNA position 23, A replaced by G.
Protein change: p.Gln8Arg; replaces glutamine 8 with arginine.
Molecular consequence: missense variant.
Genome position (GRCh38, 1-based): chr17:65,137,563, A>G. VCF-style: chr17-65137563-A-G. GRCh37 (hg19) VCF-style: chr17-63133681-A-G.
Other names: c.23A>G, p.Gln8Arg (NM_001081955.3, NM_001165933.2); short protein forms Q8R.
Identifiers: ClinVar variation 839492 (VCV000839492.9), dbSNP rs1909955339, ClinGen allele CA400660253.